The following is an entry in ClinVar:

ClinVar aggregate classification (germline): Uncertain significance (1 of 4 stars; one submission).

Conditions:
Duchenne muscular dystrophy (DMD). Also called: MUSCULAR DYSTROPHY, PSEUDOHYPERTROPHIC PROGRESSIVE, DUCHENNE TYPE; Duchenne Muscular Dystrophy (DMD). Identifiers: Orphanet 98896, MedGen C0013264, MONDO:0010679, OMIM 310200.

Submission:

Labcorp Genetics (formerly Invitae), Labcorp
Classification: Uncertain significance for Duchenne muscular dystrophy. Last evaluated: 2025-05-07. Review status: criteria provided, single submitter. Criteria: Invitae Variant Classification Sherloc (09022015). Collection method: clinical testing. Allele origin: germline.
Comment: This sequence change replaces glutamic acid, which is acidic and polar, with alanine, which is neutral and non-polar, at codon 579 of the DMD protein (p.Glu579Ala). This variant is not present in population databases (gnomAD no frequency). This variant has not been reported in the literature in individuals affected with DMD-related conditions. ClinVar contains an entry for this variant (Variation ID: 1934871). Invitae Evidence Modeling of protein sequence and biophysical properties (such as structural, functional, and spatial information, amino acid conservation, physicochemical variation, residue mobility, and thermodynamic stability) indicates that this missense variant is not expected to disrupt DMD protein function with a negative predictive value of 95%. In summary, the available evidence is currently insufficient to determine the role of this variant in disease. Therefore, it has been classified as a Variant of Uncertain Significance.

NM_004006.3(DMD):c.1736A>C (p.Glu579Ala)

Gene: DMD (dystrophin; minus strand). Cytogenetic location: Xp21.1.
Variant type: single nucleotide variant.
Coding change: c.1736A>C on transcript NM_004006.3 (MANE Select); coding-DNA position 1736, A replaced by C.
Protein change: p.Glu579Ala; replaces glutamic acid 579 with alanine.
Molecular consequence: missense variant.
Genome position (GRCh38, 1-based): chrX:32,573,606, T>G on the plus strand (A>C on the coding strand, the complement: DMD is on the minus strand). VCF-style: chrX-32573606-T-G. GRCh37 (hg19) VCF-style: chrX-32591723-T-G.
Other names: c.1712A>C, p.Glu571Ala (NM_000109.4); c.1724A>C, p.Glu575Ala (NM_004009.3); c.1367A>C, p.Glu456Ala (NM_004010.3); short protein forms E571A, E575A, E579A, E456A.
Identifiers: ClinVar variation 1934871 (VCV001934871.5), dbSNP rs764527758, ClinGen allele CA412673233.